The following is an entry in ClinVar:

NM_004171.4(SLC1A2):c.1121G>T (p.Cys374Phe)

Gene: SLC1A2 (solute carrier family 1 member 2; minus strand). Cytogenetic location: 11p13.
Variant type: single nucleotide variant.
Coding change: c.1121G>T on transcript NM_004171.4 (MANE Select); coding-DNA position 1121, G replaced by T.
Protein change: p.Cys374Phe; replaces cysteine 374 with phenylalanine.
Molecular consequence: missense variant.
Genome position (GRCh38, 1-based): chr11:35,286,922, C>A on the plus strand (G>T on the coding strand, the complement: SLC1A2 is on the minus strand). VCF-style: chr11-35286922-C-A. GRCh37 (hg19) VCF-style: chr11-35308469-C-A.
Other names: c.1094G>T, p.Cys365Phe (NM_001195728.3, NM_001252652.2); short protein forms C365F, C374F.
Identifiers: ClinVar variation 2702653 (VCV002702653.3), dbSNP rs2497743508, ClinGen allele CA380123192.
Genomic context (GRCh38, chr11:35,286,922, plus strand): 5'-GCTCCAACAGGAAGGACGAATCTAGTCACACGCTTATCAATCCCCAGATTTTCTTCCAGG[C>A]AACGAAAGGTGACAGGCAAAGTTCCAGCACTGAGAACAAAGAGAAAGAGAGAGACAGGGT-3'
Protein context (NP_004162.2, residues 364-384): SAGTLPVTFR[Cys374Phe]LEENLGIDKR

ClinVar aggregate classification (germline): Uncertain significance (1 of 4 stars; one submission).

Submission:

Labcorp Genetics (formerly Invitae), Labcorp
Classification: Uncertain significance. Last evaluated: 2023-12-19. Review status: criteria provided, single submitter. Criteria: Invitae Variant Classification Sherloc (09022015). Collection method: clinical testing. Allele origin: germline.
Comment: This sequence change replaces cysteine, which is neutral and slightly polar, with phenylalanine, which is neutral and non-polar, at codon 374 of the SLC1A2 protein (p.Cys374Phe). This variant is not present in population databases (gnomAD no frequency). This variant has not been reported in the literature in individuals affected with SLC1A2-related conditions. Advanced modeling of protein sequence and biophysical properties (such as structural, functional, and spatial information, amino acid conservation, physicochemical variation, residue mobility, and thermodynamic stability) performed at Invitae indicates that this missense variant is expected to disrupt SLC1A2 protein function with a positive predictive value of 80%. In summary, the available evidence is currently insufficient to determine the role of this variant in disease. Therefore, it has been classified as a Variant of Uncertain Significance.